The following is an entry in ClinVar:

NM_001375567.1(FOCAD):c.4389G>C (p.Lys1463Asn)

Gene: FOCAD (focadhesin; plus strand). Cytogenetic location: 9p21.3.
Variant type: single nucleotide variant.
Coding change: c.4389G>C on transcript NM_001375567.1 (MANE Select); coding-DNA position 4389, G replaced by C.
Protein change: p.Lys1463Asn; replaces lysine 1463 with asparagine.
Molecular consequence: missense variant.
Genome position (GRCh38, 1-based): chr9:20,981,437, G>C. VCF-style: chr9-20981437-G-C. GRCh37 (hg19) VCF-style: chr9-20981436-G-C.
Other names: c.4284G>C, p.Lys1428Asn (NM_001375568.1, NM_001375570.1); c.4389G>C, p.Lys1463Asn (NM_017794.5); short protein forms K1428N, K1463N.
Identifiers: ClinVar variation 3354369 (VCV003354369.1).

ClinVar aggregate classification (germline): Uncertain significance (0 of 4 stars; one submission).

Conditions:
FOCAD-related disorder. Also called: FOCAD-related condition.

gnomAD v4.1: 2 of 1,613,974 alleles (0.00012%); highest among the groups gnomAD compares: African/African-American, 0.0027%; no homozygotes.

Submission:

PreventionGenetics, part of Exact Sciences
Classification: Uncertain significance for FOCAD-related condition. Last evaluated: 2024-08-22. Review status: no assertion criteria provided. Collection method: clinical testing. Allele origin: germline.
Comment: The FOCAD c.4389G>C variant is predicted to result in the amino acid substitution p.Lys1463Asn. To our knowledge, this variant has not been reported in the literature or in a large population database, indicating this variant is rare. At this time, the clinical significance of this variant is uncertain due to the absence of conclusive functional and genetic evidence.